The following is an entry in ClinVar:

ClinVar aggregate classification (germline): Uncertain significance. Review status: criteria provided, multiple submitters, no conflicts (2 of 4 stars). 2 submissions from 2 submitters: Uncertain significance (2). Last evaluated 2024-08-06.

Conditions:
Familial thoracic aortic aneurysm and aortic dissection (TAAD). Also called: Thoracic aortic aneurysms and dissections. Identifiers: Orphanet 91387, MedGen C4707243, MONDO:0019625.

Submissions (2):

All of Us Research Program, National Institutes of Health
Classification: Uncertain significance for Familial thoracic aortic aneurysm and aortic dissection. Last evaluated: 2024-08-06. Review status: criteria provided, single submitter. Criteria: ACMG Guidelines, 2015. Collection method: clinical testing. Allele origin: germline. Inheritance: Autosomal dominant inheritance. Observed: 1 variant allele, 1 heterozygote.
Comment: This study involves interpretation of variants in research participants for the purpose of population health screening. Participant phenotype was not available at the time of variant classification. Additional details can be found in publication PMID: 35346344, PMCID: PMC8962531

Color Diagnostics, LLC DBA Color Health
Classification: Uncertain significance for Familial thoracic aortic aneurysm and aortic dissection. Last evaluated: 2023-01-09. Review status: criteria provided, single submitter. Criteria: ACMG Guidelines, 2015. Collection method: clinical testing. Allele origin: germline.
Comment: This missense variant replaces glutamic acid with aspartic acid at codon 1484 of the MYH11 protein. Computational prediction suggests that this variant may not impact protein structure and function (internally defined REVEL score threshold <= 0.5, PMID: 27666373). To our knowledge, functional studies have not been reported for this variant. This variant has not been reported in individuals affected with MYH11-related disorders in the literature. This variant has not been identified in the general population by the Genome Aggregation Database (gnomAD). The available evidence is insufficient to determine the role of this variant in disease conclusively. Therefore, this variant is classified as a Variant of Uncertain Significance.

NM_002474.3(MYH11):c.4431A>T (p.Glu1477Asp)

Genes: NDE1 (nudE neurodevelopment protein 1; plus strand), MYH11 (myosin heavy chain 11; minus strand). Cytogenetic location: 16p13.11.
Variant type: single nucleotide variant.
Coding change: c.4431A>T on transcript NM_002474.3 (MANE Select); coding-DNA position 4431, A replaced by T.
Protein change: p.Glu1477Asp; replaces glutamic acid 1477 with aspartic acid.
Molecular consequence: missense variant. On other transcripts: intron variant (2).
Genome position (GRCh38, 1-based): chr16:15,721,569, T>A on the plus strand (A>T on the coding strand, the complement: MYH11 is on the minus strand). VCF-style: chr16-15721569-T-A. GRCh37 (hg19) VCF-style: chr16-15815426-T-A.
Other names: c.4452A>T, p.Glu1484Asp (NM_001040113.2, NM_001040114.2); c.4431A>T, p.Glu1477Asp (NM_022844.3); c.948-2622T>A (NM_001143979.2, NM_017668.3); short protein forms E1477D, E1484D.
Identifiers: ClinVar variation 2773809 (VCV002773809.3), dbSNP rs2040485781, ClinGen allele CA394855398.